The following is an entry in ClinVar:

ClinVar aggregate classification (germline): Uncertain significance (1 of 4 stars; one submission).

Conditions:
Glycogen storage disease, type VI (GSD6). Also called: Glycogen storage disease type 6; Hepatic glycogen phosphorylase deficiency; HERS DISEASE; PHOSPHORYLASE DEFICIENCY GLYCOGEN-STORAGE DISEASE OF LIVER; Glycogen storage disease type 6, due to phosphorylation; GSD VI. Identifiers: Orphanet 369, MedGen C0017925, MONDO:0009294, OMIM 232700.

Submission:

Victorian Clinical Genetics Services, Murdoch Childrens Research Institute
Classification: Uncertain significance for Glycogen storage disease, type VI. Last evaluated: 2025-04-10. Review status: criteria provided, single submitter. Criteria: ACMG Guidelines, 2015. Collection method: clinical testing. Allele origin: germline.
Comment: This variant is classified as VUS-3A. Evidence in support of pathogenic classification: Variant is present in gnomAD <0.01 for a recessive condition (v2: 1 heterozygote(s), 0 homozygote(s)) ; Missense variant predicted to be damaging by in silico tool(s) or highly conserved with a major amino acid change. Additional information: Variant is predicted to result in a missense amino acid change from glycine to glutamic acid - This variant is heterozygous; This gene is associated with autosomal recessive disease; This variant has no previous evidence of pathogenicity; No published segregation evidence has been identified for this variant; No published functional evidence has been identified for this variant; Another missense variant comparable to the one identified in this case has inconclusive previous evidence for pathogenicity. p.(Gly289Arg) has been classified as a VUS by a clinical laboratory in ClinVar; Variant is located in the annotated carbohydrate phosphorylase domain (DECIPHER); Loss of function is a known mechanism of disease in this gene and is associated with glycogen storage disease VI (MIM#232700).

NM_002863.5(PYGL):c.866G>A (p.Gly289Glu)

Gene: PYGL (glycogen phosphorylase L; minus strand). Cytogenetic location: 14q22.1.
Variant type: single nucleotide variant.
Coding change: c.866G>A on transcript NM_002863.5 (MANE Select); coding-DNA position 866, G replaced by A.
Protein change: p.Gly289Glu; replaces glycine 289 with glutamic acid.
Molecular consequence: missense variant.
Genome position (GRCh38, 1-based): chr14:50,917,095, C>T on the plus strand (G>A on the coding strand, the complement: PYGL is on the minus strand). VCF-style: chr14-50917095-C-T. GRCh37 (hg19) VCF-style: chr14-51383813-C-T.
Other names: c.764G>A, p.Gly255Glu (NM_001163940.2); short protein forms G255E, G289E.
Identifiers: ClinVar variation 4531483 (VCV004531483.1).